The following is an entry in ClinVar:

NM_000545.8(HNF1A):c.1336G>A (p.Val446Met)

Gene: HNF1A (HNF1 homeobox A; plus strand). Cytogenetic location: 12q24.31.
Variant type: single nucleotide variant.
Coding change: c.1336G>A on transcript NM_000545.8 (MANE Select); coding-DNA position 1336, G replaced by A.
Protein change: p.Val446Met; replaces valine 446 with methionine.
Molecular consequence: missense variant. On other transcripts: intron variant (1).
Genome position (GRCh38, 1-based): chr12:120,997,500, G>A. VCF-style: chr12-120997500-G-A. GRCh37 (hg19) VCF-style: chr12-121435303-G-A.
Other names: c.1336G>A, p.Val446Met (NM_001306179.2); c.1309+758G>A (NM_001406915.1); short protein forms V446M.
Identifiers: ClinVar variation 4532347 (VCV004532347.1).

ClinVar aggregate classification (germline): Uncertain significance (1 of 4 stars; one submission).

gnomAD v4.1: 4 of 1,611,766 alleles (0.00025%); highest among the groups gnomAD compares: Non-Finnish European, 0.00025%; no homozygotes.

Submission:

GeneDx
Classification: Uncertain significance. Last evaluated: 2025-05-28. Review status: criteria provided, single submitter. Criteria: GeneDx Variant Classification Process June 2021. Collection method: clinical testing. Allele origin: germline. Affected: yes.
Comment: Not observed at significant frequency in large population cohorts (gnomAD); In silico analysis suggests that this missense variant does not alter protein structure/function; This variant is associated with the following publications: (PMID: 21224407, 38103030, 32041611)